The following is an entry in ClinVar:

ClinVar aggregate classification (germline): Uncertain significance. Review status: criteria provided, multiple submitters, no conflicts (2 of 4 stars). 3 submissions from 3 submitters: Uncertain significance (3). Last evaluated 2024-06-25.

Conditions:
Primary ciliary dyskinesia 23 (CILD23). Also called: CILIARY DYSKINESIA, PRIMARY, 23, WITH OR WITHOUT SITUS INVERSUS. Identifiers: Orphanet 244, MedGen C3809548, MONDO:0014193, OMIM 615451.
Primary ciliary dyskinesia. Also called: Ciliary dyskinesia. Identifiers: Orphanet 244, MedGen C0008780, MONDO:0016575, HP:0012265.

Allele frequency attached by ClinVar (database versions not stated): gnomAD 0.00001; TOPMed 0.00001; ExAC 0.00002; gnomAD exomes 0.00002.
gnomAD v4.1: 21 of 1,613,868 alleles (0.0013%); highest among the groups gnomAD compares: South Asian, 0.0033%; no homozygotes.

Submissions (3):

Ambry Genetics
Classification: Uncertain significance for Primary ciliary dyskinesia. Last evaluated: 2024-06-25. Review status: criteria provided, single submitter. Criteria: Ambry Variant Classification Scheme 2023. Collection method: clinical testing. Allele origin: germline.

Blueprint Genetics
Classification: Uncertain significance. Last evaluated: 2022-08-02. Review status: criteria provided, single submitter. Criteria: ACMG Guidelines, 2015. Collection method: clinical testing. Allele origin: germline.

Labcorp Genetics (formerly Invitae), Labcorp
Classification: Uncertain significance for Primary ciliary dyskinesia 23. Last evaluated: 2021-12-20. Review status: criteria provided, single submitter. Criteria: Invitae Variant Classification Sherloc (09022015). Collection method: clinical testing. Allele origin: germline.
Comment: This sequence change replaces arginine, which is basic and polar, with glutamine, which is neutral and polar, at codon 731 of the ARMC4 protein (p.Arg731Gln). This variant is present in population databases (rs746405520, gnomAD 0.01%). This variant has not been reported in the literature in individuals affected with ARMC4-related conditions. ClinVar contains an entry for this variant (Variation ID: 654682). Algorithms developed to predict the effect of missense changes on protein structure and function are either unavailable or do not agree on the potential impact of this missense change (SIFT: "Tolerated"; PolyPhen-2: "Possibly Damaging"; Align-GVGD: "Class C0"). In summary, the available evidence is currently insufficient to determine the role of this variant in disease. Therefore, it has been classified as a Variant of Uncertain Significance.

NM_018076.5(ODAD2):c.2192G>A (p.Arg731Gln)

Gene: ODAD2 (outer dynein arm docking complex subunit 2; minus strand). Cytogenetic location: 10p12.1.
Variant type: single nucleotide variant.
Coding change: c.2192G>A on transcript NM_018076.5 (MANE Select); coding-DNA position 2192, G replaced by A.
Protein change: p.Arg731Gln; replaces arginine 731 with glutamine.
Molecular consequence: missense variant.
Genome position (GRCh38, 1-based): chr10:27,936,786, C>T on the plus strand (G>A on the coding strand, the complement: ODAD2 is on the minus strand). VCF-style: chr10-27936786-C-T. GRCh37 (hg19) VCF-style: chr10-28225715-C-T.
Other names: c.2192G>A, p.Arg731Gln (NM_001290020.2); c.767G>A, p.Arg256Gln (NM_001290021.2); c.1268G>A, p.Arg423Gln (NM_001312689.2); short protein forms R256Q, R423Q, R731Q.
Identifiers: ClinVar variation 654682 (VCV000654682.10), dbSNP rs746405520, ClinGen allele CA5453280.